The following is an entry in ClinVar:

NM_001034853.2(RPGR):c.2467A>T (p.Lys823Ter)

Gene: RPGR (retinitis pigmentosa GTPase regulator; minus strand). Cytogenetic location: Xp11.4.
Variant type: single nucleotide variant.
Coding change: c.2467A>T on transcript NM_001034853.2 (MANE Select); coding-DNA position 2467, A replaced by T.
Protein change: p.Lys823Ter; replaces lysine 823 with a stop codon.
Molecular consequence: nonsense. On other transcripts: intron variant (8).
Genome position (GRCh38, 1-based): chrX:38,286,532, T>A on the plus strand (A>T on the coding strand, the complement: RPGR is on the minus strand). VCF-style: chrX-38286532-T-A. GRCh37 (hg19) VCF-style: chrX-38145785-T-A.
Other names: c.1569+4427A>T (NM_001367249.1, NM_001367250.1); c.1902+562A>T (NM_001367245.1); c.1386+4427A>T (NM_001367251.1); c.1719+562A>T (NM_001367246.1); c.1572+4427A>T (NM_001367247.1); c.1905+562A>T (NM_000328.3); c.1602+4427A>T (NM_001367248.1); short protein forms K823*.
Identifiers: ClinVar variation 3248780 (VCV003248780.3).

ClinVar aggregate classification (germline): Pathogenic. Review status: criteria provided, multiple submitters, no conflicts (2 of 4 stars). 2 submissions from 2 submitters: Pathogenic (2). Last evaluated 2024-08-11.

Conditions:
Retinal dystrophy. Also called: Inherited retinal dystrophy. Identifiers: Orphanet 71862, MedGen C0854723, MeSH D058499, MONDO:0019118, HP:0000556.
Primary ciliary dyskinesia. Also called: Ciliary dyskinesia. Identifiers: Orphanet 244, MedGen C0008780, MONDO:0016575, HP:0012265.

Submissions (2):

Labcorp Genetics (formerly Invitae), Labcorp
Classification: Pathogenic for Primary ciliary dyskinesia. Last evaluated: 2024-08-11. Review status: criteria provided, single submitter. Criteria: Invitae Variant Classification Sherloc (09022015). Collection method: clinical testing. Allele origin: germline.
Comment: This sequence change creates a premature translational stop signal (p.Lys823*) in the RPGR (ORF15) gene. While this is not anticipated to result in nonsense mediated decay, it is expected to disrupt the last 330 amino acid(s) of the RPGR (ORF15) protein. This variant is not present in population databases (gnomAD no frequency). This premature translational stop signal has been observed in individuals with retinitis pigmentosa (PMID: 16969763, 18552978, 32531858). This variant is also known as Lys1323X, p.Lys238X. This variant disrupts a region of the RPGR (ORF15) protein in which other variant(s) (p.Leu1130Lysfs*13) have been determined to be pathogenic (PMID: 22264887; Invitae). This suggests that this is a clinically significant region of the protein, and that variants that disrupt it are likely to be disease-causing. For these reasons, this variant has been classified as Pathogenic.

Institute of Human Genetics, Univ. Regensburg, Univ. Regensburg
Classification: Pathogenic for Retinal dystrophy. Last evaluated: 2020-01-01. Review status: criteria provided, single submitter. Criteria: ACMG Guidelines, 2015. Collection method: clinical testing. Allele origin: germline. Affected: yes.

Literature cited by the submitters: PubMed 16969763 (cited by Labcorp Genetics (formerly Invitae), Labcorp and Institute of Human Genetics, Univ. Regensburg, Univ. Regensburg); PubMed 18552978 (cited by Labcorp Genetics (formerly Invitae), Labcorp); PubMed 32531858 (cited by Labcorp Genetics (formerly Invitae), Labcorp); PubMed 22264887 (cited by Labcorp Genetics (formerly Invitae), Labcorp); PubMed 3253185 (cited by Institute of Human Genetics, Univ. Regensburg, Univ. Regensburg).